The following is an entry in ClinVar:

ClinVar aggregate classification (germline): Uncertain significance. Review status: criteria provided, multiple submitters, no conflicts (2 of 4 stars). 2 submissions from 2 submitters: Uncertain significance (2). Last evaluated 2024-01-12.

Conditions:
Familial adenomatous polyposis 1 (FAP1). Also called: FAMILIAL ADENOMATOUS POLYPOSIS 1, ATTENUATED; POLYPOSIS, ADENOMATOUS INTESTINAL. Identifiers: MedGen C2713442, MONDO:0021056, OMIM 175100. Disease mechanism: loss of function.
Hereditary cancer-predisposing syndrome. Also called: Neoplastic Syndromes, Hereditary; Hereditary Cancer Syndrome; Tumor predisposition; Hereditary neoplastic syndrome. Identifiers: Orphanet 140162, MedGen C0027672, MeSH D009386, MONDO:0015356.

Allele frequency attached by ClinVar (database versions not stated): gnomAD exomes below 0.00001.
gnomAD v4.1: 1 of 1,614,108 alleles (0.000062%); highest among the groups gnomAD compares: Non-Finnish European, 0.000085%; no homozygotes.

Submissions (2):

Ambry Genetics
Classification: Uncertain significance for Hereditary cancer-predisposing syndrome. Last evaluated: 2024-01-12. Review status: criteria provided, single submitter. Criteria: Ambry Variant Classification Scheme 2023. Collection method: clinical testing. Allele origin: germline.
Comment: The p.S1400P variant (also known as c.4198T>C), located in coding exon 15 of the APC gene, results from a T to C substitution at nucleotide position 4198. The serine at codon 1400 is replaced by proline, an amino acid with similar properties. This amino acid position is conserved. In addition, in silico predictors for this gene do not accurately predict pathogenicity. Since supporting evidence is limited at this time, the clinical significance of this alteration remains unclear.

Labcorp Genetics (formerly Invitae), Labcorp
Classification: Uncertain significance for Familial adenomatous polyposis 1. Last evaluated: 2022-03-29. Review status: criteria provided, single submitter. Criteria: Invitae Variant Classification Sherloc (09022015). Collection method: clinical testing. Allele origin: germline.
Comment: In summary, the available evidence is currently insufficient to determine the role of this variant in disease. Therefore, it has been classified as a Variant of Uncertain Significance. Algorithms developed to predict the effect of missense changes on protein structure and function are either unavailable or do not agree on the potential impact of this missense change (SIFT: "Tolerated"; PolyPhen-2: "Probably Damaging"; Align-GVGD: "Class C0"). ClinVar contains an entry for this variant (Variation ID: 582889). This variant has not been reported in the literature in individuals affected with APC-related conditions. This variant is not present in population databases (gnomAD no frequency). This sequence change replaces serine, which is neutral and polar, with proline, which is neutral and non-polar, at codon 1400 of the APC protein (p.Ser1400Pro).

NM_000038.6(APC):c.4198T>C (p.Ser1400Pro)

Gene: APC (APC regulator of Wnt signaling pathway; plus strand). Cytogenetic location: 5q22.2.
Variant type: single nucleotide variant.
Coding change: c.4198T>C on transcript NM_000038.6 (MANE Select); coding-DNA position 4198, T replaced by C.
Protein change: p.Ser1400Pro; replaces serine 1400 with proline.
Molecular consequence: missense variant.
Genome position (GRCh38, 1-based): chr5:112,839,792, T>C. VCF-style: chr5-112839792-T-C. GRCh37 (hg19) VCF-style: chr5-112175489-T-C.
Other names: c.4198T>C, p.Ser1400Pro (NM_001127510.3, NM_001354895.2); c.4144T>C, p.Ser1382Pro (NM_001127511.3); c.4252T>C, p.Ser1418Pro (NM_001354896.2); c.4228T>C, p.Ser1410Pro (NM_001354897.2); c.4123T>C, p.Ser1375Pro (NM_001354898.2); c.4114T>C, p.Ser1372Pro (NM_001354899.2); c.4075T>C, p.Ser1359Pro (NM_001354900.2); c.4021T>C, p.Ser1341Pro (NM_001354901.2); and 5 more; short protein forms S1382P, S1400P, S1117P, S1274P, S1309P, S1372P, S1375P, S1299P.
Identifiers: ClinVar variation 582889 (VCV000582889.11), dbSNP rs1561590556, ClinGen allele CA16030533.
Genomic context (GRCh38, chr5:112,839,792, plus strand): 5'-ACCCCACTCATGTTTAGCAGATGTACTTCTGTCAGTTCACTTGATAGTTTTGAGAGTCGT[T>C]CGATTGCCAGCTCCGTTCAGAGTGAACCATGCAGTGGAATGGTAAGTGGCATTATAAGCC-3'
Protein context (NP_000029.2, residues 1390-1410): VSSLDSFESR[Ser1400Pro]IASSVQSEPC